The following is an entry in ClinVar:

ClinVar aggregate classification (germline): Pathogenic (1 of 4 stars; one submission).

Submission:

GeneDx
Classification: Pathogenic. Last evaluated: 2026-07-28. Review status: criteria provided, single submitter. Criteria: GeneDx Variant Classification Process June 2021. Collection method: clinical testing. Allele origin: germline.
Comment: Observed in an individual with colon and endometrial cancer in the published literature (PMID: 32635641); Nonsense variant predicted to result in protein truncation or nonsense mediated decay in a gene for which loss of function is a known mechanism of disease; Not observed at significant frequency in large population cohorts (gnomAD); Truncating variants in this gene are considered pathogenic by a well-established clinical consortium and/or database; This variant is associated with the following publications: (PMID: 29922827, 32635641)

NM_000179.3(MSH6):c.2219T>A (p.Leu740Ter)

Gene: MSH6 (mutS homolog 6; plus strand). Cytogenetic location: 2p16.3.
Variant type: single nucleotide variant.
Coding change: c.2219T>A on transcript NM_000179.3 (MANE Select); coding-DNA position 2219, T replaced by A.
Protein change: p.Leu740Ter; replaces leucine 740 with a stop codon.
Molecular consequence: nonsense. On other transcripts: non-coding transcript variant (5), intron variant (2).
Genome position (GRCh38, 1-based): chr2:47,800,202, T>A. VCF-style: chr2-47800202-T-A. GRCh37 (hg19) VCF-style: chr2-48027341-T-A.
Other names: c.1829T>A, p.Leu610Ter (NM_001281492.2); c.1313T>A, p.Leu438Ter (NM_001281493.2, NM_001281494.2, NM_001406811.1 and 6 more transcripts); c.2315T>A, p.Leu772Ter (NM_001406795.1, NM_001406802.1); c.2219T>A, p.Leu740Ter (NM_001406796.1, NM_001406798.1, NM_001406800.1 and 3 more transcripts); c.1922T>A, p.Leu641Ter (NM_001406797.1, NM_001406801.1, NM_001406805.1 and 10 more transcripts); c.1694T>A, p.Leu565Ter (NM_001406799.1, NM_001406806.1, NM_001406807.1); c.2141T>A, p.Leu714Ter (NM_001406804.1); c.2225T>A, p.Leu742Ter (NM_001406813.1); and 3 more; short protein forms L438*, L565*, L610*, L641*, L684*, L714*, L740*, L742*.
Identifiers: ClinVar variation 3372541 (VCV003372541.2).